The following is an entry in ClinVar:

NM_004370.6(COL12A1):c.2783C>T (p.Ala928Val)

Gene: COL12A1 (collagen type XII alpha 1 chain; minus strand). Cytogenetic location: 6q13.
Variant type: single nucleotide variant.
Coding change: c.2783C>T on transcript NM_004370.6 (MANE Select); coding-DNA position 2783, C replaced by T.
Protein change: p.Ala928Val; replaces alanine 928 with valine.
Molecular consequence: missense variant. On other transcripts: intron variant (2).
Genome position (GRCh38, 1-based): chr6:75,165,707, G>A on the plus strand (C>T on the coding strand, the complement: COL12A1 is on the minus strand). VCF-style: chr6-75165707-G-A. GRCh37 (hg19) VCF-style: chr6-75875423-G-A.
Other names: c.2783C>T, p.Ala928Val (NM_001424113.1, NM_001424114.1); c.2510C>T, p.Ala837Val (NM_001424115.1); c.74-13225C>T (NM_001424116.1, NM_080645.3); short protein forms A837V, A928V.
Identifiers: ClinVar variation 4782828 (VCV004782828.1).
Genomic context (GRCh38, chr6:75,165,707, plus strand): 5'-GTGTCAACATCATCATAAAGTGATTTCCATGAGACCCTGTAACCGCGAACCATTCCTGGA[G>A]CAGATGTCCAATAAGCCCCAATTGATGTGTCAGTGATGTCTTTAGTAACTAAATCTTGAG-3'
Protein context (NP_004361.3, residues 918-938): DTSIGAYWTS[Ala928Val]PGMVRGYRVS

ClinVar aggregate classification (germline): Uncertain significance (1 of 4 stars; one submission).

Conditions:
Ullrich congenital muscular dystrophy 2 (UCMD2). Identifiers: Orphanet 75840, MedGen C4225314, MONDO:0014654, OMIM 616470.
Bethlem myopathy 2 (BTHLM2). Identifiers: Orphanet 536516, Orphanet 610, MedGen C4225313, MONDO:0034022, OMIM 616471.

Submission:

Labcorp Genetics (formerly Invitae), Labcorp
Classification: Uncertain significance for Bethlem myopathy 2; Ullrich congenital muscular dystrophy 2. Last evaluated: 2025-04-22. Review status: criteria provided, single submitter. Criteria: Invitae Variant Classification Sherloc (09022015). Collection method: clinical testing. Allele origin: germline.
Comment: This sequence change replaces alanine, which is neutral and non-polar, with valine, which is neutral and non-polar, at codon 928 of the COL12A1 protein (p.Ala928Val). This variant is not present in population databases (gnomAD no frequency). This variant has not been reported in the literature in individuals affected with COL12A1-related conditions. Invitae Evidence Modeling of protein sequence and biophysical properties (such as structural, functional, and spatial information, amino acid conservation, physicochemical variation, residue mobility, and thermodynamic stability) indicates that this missense variant is expected to disrupt COL12A1 protein function with a positive predictive value of 80%. In summary, the available evidence is currently insufficient to determine the role of this variant in disease. Therefore, it has been classified as a Variant of Uncertain Significance.